The following is an entry in ClinVar:

ClinVar aggregate classification (germline): Uncertain significance. Review status: criteria provided, multiple submitters, no conflicts (2 of 4 stars). 2 submissions from 2 submitters: Uncertain significance (2). Last evaluated 2025-06-17.

Conditions:
Immunodeficiency 75. Also called: IMMUNODEFICIENCY 75 WITH LYMPHOPROLIFERATION. Identifiers: Orphanet 664729, MedGen C5436860, MONDO:0030858, OMIM 619126.

gnomAD v4.1: 5 of 1,614,186 alleles (0.00031%); highest among the groups gnomAD compares: Middle Eastern, 0.033%; no homozygotes.

Submissions (2):

St. Jude Molecular Pathology, St. Jude Children's Research Hospital
Classification: Uncertain significance for Immunodeficiency 75. Last evaluated: 2025-06-17. Review status: criteria provided, single submitter. Criteria: St. Jude Assertion Criteria 2020. Collection method: clinical testing. Allele origin: germline.
Comment: The TET2 c.1829A>G p.(Asn610Ser) missense change has a maximum subpopulation frequency of 0.0009% in gnomAD v2.1.1. The in silico tool REVEL predicts a benign effect on protein function, but to our knowledge this prediction has not been confirmed by functional studies. To our knowledge, this variant has not been reported in individuals with TET2-related disease. In summary, the evidence currently available is insufficient to determine the clinical significance of this variant. It has therefore been classified as of uncertain significance.

Ambry Genetics
Classification: Uncertain significance. Last evaluated: 2024-12-25. Review status: criteria provided, single submitter. Criteria: Ambry Variant Classification Scheme 2023. Collection method: clinical testing. Allele origin: germline.
Comment: The p.N610S variant (also known as c.1829A>G), located in coding exon 1 of the TET2 gene, results from an A to G substitution at nucleotide position 1829. The asparagine at codon 610 is replaced by serine, an amino acid with highly similar properties. This amino acid position is conserved. In addition, this alteration is predicted to be tolerated by in silico analysis. Based on the available evidence, the clinical significance of this variant remains unclear.

NM_001127208.3(TET2):c.1829A>G (p.Asn610Ser)

Genes: TET2 (tet methylcytosine dioxygenase 2; plus strand), TET2-AS1 (TET2 antisense RNA 1; minus strand). Cytogenetic location: 4q24.
Variant type: single nucleotide variant.
Coding change: c.1829A>G on transcript NM_001127208.3 (MANE Select); coding-DNA position 1829, A replaced by G.
Protein change: p.Asn610Ser; replaces asparagine 610 with serine.
Molecular consequence: missense variant.
Genome position (GRCh38, 1-based): chr4:105,235,771, A>G. VCF-style: chr4-105235771-A-G. GRCh37 (hg19) VCF-style: chr4-106156928-A-G.
Other names: c.1829A>G, p.Asn610Ser (NM_017628.4); short protein forms N610S.
Identifiers: ClinVar variation 3805897 (VCV003805897.3).
Genomic context (GRCh38, chr4:105,235,771, plus strand): 5'-TTCAGTATCAACCCAATCTCTCCAATCAAATGACCTCCAAACAATACACTGGAAATTCCA[A>G]CATGCCTGGGGGGCTCCCAAGGCAAGCTTACACCCAGAAAACAACACAGCTGGAGCACAA-3'
Protein context (NP_001120680.1, residues 600-620): MTSKQYTGNS[Asn610Ser]MPGGLPRQAY